The following is an entry in ClinVar:

NM_001458.5(FLNC):c.7523T>G (p.Val2508Gly)

Genes: FLNC (filamin C; plus strand), FLNC-AS1 (FLNC antisense RNA 1; minus strand). Cytogenetic location: 7q32.1.
Variant type: single nucleotide variant.
Coding change: c.7523T>G on transcript NM_001458.5 (MANE Select); coding-DNA position 7523, T replaced by G.
Protein change: p.Val2508Gly; replaces valine 2508 with glycine.
Molecular consequence: missense variant.
Genome position (GRCh38, 1-based): chr7:128,856,883, T>G. VCF-style: chr7-128856883-T-G. GRCh37 (hg19) VCF-style: chr7-128496937-T-G.
Other names: c.7424T>G, p.Val2475Gly (NM_001127487.2); short protein forms V2475G, V2508G.
Identifiers: ClinVar variation 1478991 (VCV001478991.8), dbSNP rs2128940265, ClinGen allele CA369218824.
Genomic context (GRCh38, chr7:128,856,883, plus strand): 5'-CTGGAAGTCCCTTCAAGATCCGCGTTGGGGAGCAGAGCCAGGCTGGGGACCCAGGCTTGG[T>G]GTCAGCCTACGGTCCTGGGCTCGAGGGAGGCACTACCGGTGAGTGCCTGGAGCTGGGGAA-3'
Protein context (NP_001449.3, residues 2498-2518): EQSQAGDPGL[Val2508Gly]SAYGPGLEGG

ClinVar aggregate classification (germline): Uncertain significance (1 of 4 stars; one submission).

Conditions:
Myofibrillar myopathy 5. Also called: Filaminopathy (type); FILAMINOPATHY, AUTOSOMAL DOMINANT. Identifiers: Orphanet 171445, MedGen C1836050, MONDO:0012289, OMIM 609524.
Distal myopathy with posterior leg and anterior hand involvement. Also called: WILLIAMS DISTAL MYOPATHY. Identifiers: Orphanet 63273, MedGen C3279722, MONDO:0013550, OMIM 614065.
Hypertrophic cardiomyopathy 26. Also called: Cardiomyopathy, familial hypertrophic, 26. Identifiers: Orphanet 75249, MedGen C4310749, MONDO:0014883, OMIM 617047.

Submission:

Labcorp Genetics (formerly Invitae), Labcorp
Classification: Uncertain significance for Distal myopathy with posterior leg and anterior hand involvement; Myofibrillar myopathy 5; Hypertrophic cardiomyopathy 26. Last evaluated: 2024-07-21. Review status: criteria provided, single submitter. Criteria: Invitae Variant Classification Sherloc (09022015). Collection method: clinical testing. Allele origin: germline.
Comment: This sequence change replaces valine, which is neutral and non-polar, with glycine, which is neutral and non-polar, at codon 2508 of the FLNC protein (p.Val2508Gly). This variant is not present in population databases (gnomAD no frequency). This variant has not been reported in the literature in individuals affected with FLNC-related conditions. ClinVar contains an entry for this variant (Variation ID: 1478991). Advanced modeling of protein sequence and biophysical properties (such as structural, functional, and spatial information, amino acid conservation, physicochemical variation, residue mobility, and thermodynamic stability) performed at Invitae indicates that this missense variant is not expected to disrupt FLNC protein function with a negative predictive value of 80%. In summary, the available evidence is currently insufficient to determine the role of this variant in disease. Therefore, it has been classified as a Variant of Uncertain Significance.